The following is an entry in ClinVar:

NM_005732.4(RAD50):c.619C>G (p.Gln207Glu)

Gene: RAD50 (RAD50 double strand break repair protein; plus strand). Cytogenetic location: 5q31.1.
Variant type: single nucleotide variant.
Coding change: c.619C>G on transcript NM_005732.4 (MANE Select); coding-DNA position 619, C replaced by G.
Protein change: p.Gln207Glu; replaces glutamine 207 with glutamic acid.
Molecular consequence: missense variant.
Genome position (GRCh38, 1-based): chr5:132,579,929, C>G. VCF-style: chr5-132579929-C-G. GRCh37 (hg19) VCF-style: chr5-131915621-C-G.
Other names: short protein forms Q207E.
Identifiers: ClinVar variation 1463905 (VCV001463905.8), dbSNP rs2149837964, ClinGen allele CA360935933.

ClinVar aggregate classification (germline): Uncertain significance (1 of 4 stars; one submission).

Conditions:
Hereditary cancer-predisposing syndrome. Also called: Tumor predisposition; Hereditary neoplastic syndrome; Hereditary Cancer Syndrome; Neoplastic Syndromes, Hereditary. Identifiers: Orphanet 140162, MedGen C0027672, MeSH D009386, MONDO:0015356.

Submission:

Labcorp Genetics (formerly Invitae), Labcorp
Classification: Uncertain significance for Hereditary cancer-predisposing syndrome. Last evaluated: 2020-12-31. Review status: criteria provided, single submitter. Criteria: Invitae Variant Classification Sherloc (09022015). Collection method: clinical testing. Allele origin: germline.
Comment: In summary, the available evidence is currently insufficient to determine the role of this variant in disease. Therefore, it has been classified as a Variant of Uncertain Significance. Algorithms developed to predict the effect of missense changes on protein structure and function are either unavailable or do not agree on the potential impact of this missense change (SIFT: "Tolerated"; PolyPhen-2: "Probably Damaging"; Align-GVGD: "Class C0"). This variant has not been reported in the literature in individuals with RAD50-related conditions. This variant is not present in population databases (ExAC no frequency). This sequence change replaces glutamine with glutamic acid at codon 207 of the RAD50 protein (p.Gln207Glu). The glutamine residue is moderately conserved and there is a small physicochemical difference between glutamine and glutamic acid.